The following is an entry in ClinVar:

NM_058216.3(RAD51C):c.250A>T (p.Lys84Ter)

Gene: RAD51C (RAD51 paralog C; plus strand). Cytogenetic location: 17q22.
Variant type: single nucleotide variant.
Coding change: c.250A>T on transcript NM_058216.3 (MANE Select); coding-DNA position 250, A replaced by T.
Protein change: p.Lys84Ter; replaces lysine 84 with a stop codon.
Molecular consequence: nonsense. On other transcripts: non-coding transcript variant (2).
Genome position (GRCh38, 1-based): chr17:58,695,035, A>T. VCF-style: chr17-58695035-A-T. GRCh37 (hg19) VCF-style: chr17-56772396-A-T.
Other names: c.250A>T, p.Lys84Ter (NM_002876.4); short protein forms K84*.
Identifiers: ClinVar variation 478609 (VCV000478609.18), dbSNP rs1555593616, ClinGen allele CA400340403.

ClinVar aggregate classification (germline): Pathogenic/Likely pathogenic. Review status: criteria provided, multiple submitters, no conflicts (2 of 4 stars). 6 submissions from 6 submitters: Pathogenic (4); Likely pathogenic (2). Last evaluated 2025-07-16.

Conditions:
Fanconi anemia complementation group O. Also called: RAD51C-Related Fanconi Anemia. Identifiers: Orphanet 84, MedGen C3150653, MONDO:0013248, OMIM 613390.
Breast-ovarian cancer, familial, susceptibility to, 3. Also called: RAD51C-Related Breast/Ovarian Cancer. Identifiers: Orphanet 145, MedGen C3150659, MONDO:0013253, OMIM 613399.
Hereditary cancer-predisposing syndrome. Also called: Tumor predisposition; Neoplastic Syndromes, Hereditary; Hereditary Cancer Syndrome; Hereditary neoplastic syndrome. Identifiers: Orphanet 140162, MedGen C0027672, MeSH D009386, MONDO:0015356.

Allele frequency attached by ClinVar (database versions not stated): TOPMed below 0.00001.

Submissions (6):

Labcorp Genetics (formerly Invitae), Labcorp
Classification: Pathogenic for Fanconi anemia complementation group O. Last evaluated: 2025-07-16. Review status: criteria provided, single submitter. Criteria: Invitae Variant Classification Sherloc (09022015). Collection method: clinical testing. Allele origin: germline.
Comment: This sequence change creates a premature translational stop signal (p.Lys84*) in the RAD51C gene. It is expected to result in an absent or disrupted protein product. Loss-of-function variants in RAD51C are known to be pathogenic (PMID: 20400964, 21990120, 24800917, 29278735). This variant is not present in population databases (gnomAD no frequency). This variant has not been reported in the literature in individuals affected with RAD51C-related conditions. ClinVar contains an entry for this variant (Variation ID: 478609). RNA analysis performed to evaluate the impact of this premature translational stop signal on mRNA splicing indicates it does not significantly alter splicing (internal data). For these reasons, this variant has been classified as Pathogenic.

Fulgent Genetics
Classification: Likely pathogenic for Fanconi anemia complementation group O; Breast-ovarian cancer, familial, susceptibility to, 3. Last evaluated: 2024-04-17. Review status: criteria provided, single submitter. Criteria: ACMG Guidelines, 2015. Collection method: clinical testing. Allele origin: germline.

Ambry Genetics
Classification: Pathogenic for Hereditary cancer-predisposing syndrome. Last evaluated: 2024-01-08. Review status: criteria provided, single submitter. Criteria: Ambry Variant Classification Scheme 2023. Collection method: clinical testing. Allele origin: germline.
Comment: The p.K84* pathogenic mutation (also known as c.250A>T), located in coding exon 2 of the RAD51C gene, results from an A to T substitution at nucleotide position 250. This changes the amino acid from a lysine to a stop codon within coding exon 2. This variant is considered to be rare based on population cohorts in the Genome Aggregation Database (gnomAD). This alteration is expected to result in loss of function by premature protein truncation or nonsense-mediated mRNA decay. As such, this alteration is interpreted as a disease-causing mutation.

Myriad Genetics, Inc.
Classification: Pathogenic for Breast-ovarian cancer, familial, susceptibility to, 3. Last evaluated: 2024-01-02. Review status: criteria provided, single submitter. Criteria: Myriad Autosomal Dominant, Autosomal Recessive and X-Linked Classification Criteria (2023). Collection method: clinical testing. Allele origin: unknown.
Comment: This variant is considered pathogenic. This variant creates a termination codon and is predicted to result in premature protein truncation.

Baylor Genetics
Classification: Likely pathogenic for Breast-ovarian cancer, familial, susceptibility to, 3. Last evaluated: 2022-10-21. Review status: criteria provided, single submitter. Criteria: ACMG Guidelines, 2015. Collection method: clinical testing. Allele origin: unknown.

Color Diagnostics, LLC DBA Color Health
Classification: Pathogenic for Hereditary cancer-predisposing syndrome. Last evaluated: 2021-04-22. Review status: criteria provided, single submitter. Criteria: ACMG Guidelines, 2015. Collection method: clinical testing. Allele origin: germline.
Comment: This variant changes 1 nucleotide in exon 2 of the RAD51C gene, creating a premature translation stop signal. This variant is expected to result in an absent or non-functional protein product. To our knowledge, this variant has not been reported in individuals affected with hereditary cancer in the literature. This variant has not been identified in the general population by the Genome Aggregation Database (gnomAD). Loss of RAD51C function is a known mechanism of disease. Based on the available evidence, this variant is classified as Pathogenic.

Literature cited by the submitters: PubMed 20400964 (cited by Labcorp Genetics (formerly Invitae), Labcorp); PubMed 21990120 (cited by Labcorp Genetics (formerly Invitae), Labcorp); PubMed 24800917 (cited by Labcorp Genetics (formerly Invitae), Labcorp); PubMed 29278735 (cited by Labcorp Genetics (formerly Invitae), Labcorp).